The following is an entry in ClinVar:

ClinVar aggregate classification (germline): Likely pathogenic (1 of 4 stars; one submission).

Conditions:
TH-deficient dopa-responsive dystonia. Also called: Tyrosine Hydroxylase-Deficient Dopa-Responsive Dystonia; Segawa syndrome, autosomal recessive; DYT-TH. Identifiers: Orphanet 101150, MedGen C2673535, MONDO:0011551, OMIM 605407.

Submission:

3billion
Classification: Likely pathogenic for TH-deficient dopa-responsive dystonia. Review status: criteria provided, single submitter. Criteria: ACMG Guidelines, 2015. Collection method: clinical testing. Allele origin: unknown. Affected: yes. Observed: 1 heterozygote.
Comment: The variant is not observed in the gnomAD v2.1.1 dataset. This frameshift variant is predicted to result in a loss or disruption of normal protein function through protein truncation. The predicted truncated protein may be shortened by more than 10%. Therefore, this variant is classified as likely pathogenic according to the recommendation of ACMG/AMP guideline.

NM_000360.4(TH):c.1287_1290del (p.Val430fs)

Gene: TH (tyrosine hydroxylase; minus strand). Cytogenetic location: 11p15.5.
Variant type: Microsatellite.
Coding change: c.1287_1290del on transcript NM_000360.4 (MANE Select); coding-DNA positions 1287 to 1290, 4 bases deleted (AGTC; older notation c.1287_1290delAGTC).
Protein change: p.Val430fs; shifts the reading frame from valine 430.
Molecular consequence: frameshift variant.
Genome position (GRCh38, 1-based): chr11:2,165,276-2,165,279, GACT deleted on the plus strand (AGTC on the coding strand, the reverse complement: TH is on the minus strand); deleting any 4 consecutive bases within chr11:2,165,276-2,165,284 gives the same sequence; the c. name uses the placement nearest the transcript's 3' end. VCF-style (leftmost placement, unchanged base first): chr11-2165275-AGACT-A. GRCh37 (hg19) VCF-style: chr11-2186505-AGACT-A.
Other names: c.1368_1371del, p.Val457fs (NM_199293.3); c.1380_1383del, p.Val461fs (NM_199292.3); short protein forms V430fs, V457fs, V461fs.
Identifiers: ClinVar variation 2572586 (VCV002572586.1), dbSNP rs2495789156, ClinGen allele CA2580615595.
Genomic context (GRCh38, chr11:2,165,275, plus strand): 5'-CTAGCAGCCTAGCCCACCTGAGCTTGTCCTTGGCGTCACTGAAGCTCTCAGACACGAAGT[AGACT>A]GACTGGTACGTCTGGTCTTGGTAGGGCTGCACGGCCGCAGCCTCAGGGTCGAAGGCCCGA-3'